The following is an entry in ClinVar:

ClinVar aggregate classification (germline): Uncertain significance. Review status: criteria provided, multiple submitters, no conflicts (2 of 4 stars). 2 submissions from 2 submitters: Uncertain significance (2). Last evaluated 2022-06-20.

Conditions:
Congenital disorder of glycosylation, type Ii. Also called: CDG Ii; ALG2-CDG; ALG2-congenital disorder of glycosylation. Identifiers: Orphanet 79326, MedGen C1842836, MONDO:0011933, OMIM 607906.
Congenital myasthenic syndrome 14. Also called: Myasthenic syndrome, congenital, 14, with tubular aggregates. Identifiers: Orphanet 353327, Orphanet 590, MedGen C4015597, MONDO:0014543, OMIM 616228.

Allele frequency attached by ClinVar (database versions not stated): TOPMed 0.00005; gnomAD 0.00006; ExAC 0.00002; ESP Exome Variant Server 0.00008; gnomAD exomes 0.00008 and 0.00003.
gnomAD v4.1: 52 of 1,614,120 alleles (0.0032%); highest among the groups gnomAD compares: South Asian, 0.0011%; no homozygotes.

Submissions (2):

Labcorp Genetics (formerly Invitae), Labcorp
Classification: Uncertain significance for Congenital disorder of glycosylation, type Ii; Congenital myasthenic syndrome 14. Last evaluated: 2022-06-20. Review status: criteria provided, single submitter. Criteria: Invitae Variant Classification Sherloc (09022015). Collection method: clinical testing. Allele origin: germline.
Comment: This sequence change replaces leucine, which is neutral and non-polar, with phenylalanine, which is neutral and non-polar, at codon 312 of the ALG2 protein (p.Leu312Phe). This variant is present in population databases (rs147346291, gnomAD 0.2%). This variant has not been reported in the literature in individuals affected with ALG2-related conditions. ClinVar contains an entry for this variant (Variation ID: 364206). Algorithms developed to predict the effect of missense changes on protein structure and function are either unavailable or do not agree on the potential impact of this missense change (SIFT: "Deleterious"; PolyPhen-2: "Possibly Damaging"; Align-GVGD: "Class C0"). In summary, the available evidence is currently insufficient to determine the role of this variant in disease. Therefore, it has been classified as a Variant of Uncertain Significance.

Fulgent Genetics
Classification: Uncertain significance for Congenital disorder of glycosylation, type Ii; Congenital myasthenic syndrome 14. Last evaluated: 2022-01-13. Review status: criteria provided, single submitter. Criteria: ACMG Guidelines, 2015. Collection method: clinical testing. Allele origin: unknown.

NM_033087.4(ALG2):c.934C>T (p.Leu312Phe)

Gene: ALG2 (ALG2 alpha-1,3/1,6-mannosyltransferase; minus strand). Cytogenetic location: 9q22.33.
Variant type: single nucleotide variant.
Coding change: c.934C>T on transcript NM_033087.4 (MANE Select); coding-DNA position 934, C replaced by T.
Protein change: p.Leu312Phe; replaces leucine 312 with phenylalanine.
Molecular consequence: missense variant. On other transcripts: non-coding transcript variant (1).
Genome position (GRCh38, 1-based): chr9:99,218,251, G>A on the plus strand (C>T on the coding strand, the complement: ALG2 is on the minus strand). VCF-style: chr9-99218251-G-A. GRCh37 (hg19) VCF-style: chr9-101980533-G-A.
Other names: short protein forms L312F.
Identifiers: ClinVar variation 364206 (VCV000364206.9), dbSNP rs147346291, ClinGen allele CA5156234.